The following is an entry in ClinVar:

ClinVar aggregate classification (germline): Uncertain significance (1 of 4 stars; one submission).

Allele frequency attached by ClinVar (database versions not stated): ExAC 0.00002; gnomAD 0.00002; gnomAD exomes 0.00002 and 0.00003; TOPMed 0.00002.
gnomAD v4.1: 47 of 1,613,898 alleles (0.0029%); highest among the groups gnomAD compares: Non-Finnish European, 0.0037%; no homozygotes.

Submission:

Labcorp Genetics (formerly Invitae), Labcorp
Classification: Uncertain significance. Last evaluated: 2021-11-27. Review status: criteria provided, single submitter. Criteria: Invitae Variant Classification Sherloc (09022015). Collection method: clinical testing. Allele origin: germline.
Comment: This sequence change replaces valine, which is neutral and non-polar, with isoleucine, which is neutral and non-polar, at codon 2484 of the CDH23 protein (p.Val2484Ile). This variant is present in population databases (rs772280501, gnomAD 0.004%). This variant has not been reported in the literature in individuals affected with CDH23-related conditions. Algorithms developed to predict the effect of missense changes on protein structure and function output the following: SIFT: "Tolerated"; PolyPhen-2: "Not Available"; Align-GVGD: "Class C0". The isoleucine amino acid residue is found in multiple mammalian species, which suggests that this missense change does not adversely affect protein function. In summary, the available evidence is currently insufficient to determine the role of this variant in disease. Therefore, it has been classified as a Variant of Uncertain Significance.

NM_022124.6(CDH23):c.7450G>A (p.Val2484Ile)

Gene: CDH23 (cadherin related 23; plus strand). Cytogenetic location: 10q22.1.
Variant type: single nucleotide variant.
Coding change: c.7450G>A on transcript NM_022124.6 (MANE Select); coding-DNA position 7450, G replaced by A.
Protein change: p.Val2484Ile; replaces valine 2484 with isoleucine.
Molecular consequence: missense variant.
Genome position (GRCh38, 1-based): chr10:71,800,723, G>A. VCF-style: chr10-71800723-G-A. GRCh37 (hg19) VCF-style: chr10-73560480-G-A.
Other names: c.730G>A, p.Val244Ile (NM_001171933.1, NM_001171934.1); short protein forms V244I, V2484I.
Identifiers: ClinVar variation 1426566 (VCV001426566.3), dbSNP rs772280501, ClinGen allele CA5546350.
Genomic context (GRCh38, chr10:71,800,723, plus strand): 5'-GACCGGGAGAAGAAGGACCACTATATCCTGACTGCCTTGGCCAAAGACAACCCTGGGGAT[G>A]TAGCCAGCAACCGTCGCGAAAATTCAGTGCAGGTGAGGGGTGCCAACCTGGGCCAGGGAT-3'
Protein context (NP_071407.4, residues 2474-2494): TALAKDNPGD[Val2484Ile]ASNRRENSVQ